The following is an entry in ClinVar:

NM_000218.3(KCNQ1):c.1514+5462T>C

Genes: KCNQ1 (potassium voltage-gated channel subfamily Q member 1; plus strand), KCNQ1OT1 (KCNQ1 opposite strand/antisense transcript 1; minus strand). Cytogenetic location: 11p15.5.
Variant type: single nucleotide variant.
Coding change: c.1514+5462T>C on transcript NM_000218.3 (MANE Select); 5462 bases into the intron after coding-DNA position 1514, T replaced by C.
Molecular consequence: intron variant. On other transcripts: non-coding transcript variant (1).
Genome position (GRCh38, 1-based): chr11:2,667,543, T>C. VCF-style: chr11-2667543-T-C. GRCh37 (hg19) VCF-style: chr11-2688773-T-C.
Other names: c.1244+5462T>C (NM_001406837.1); c.1418+5462T>C (NM_001406836.1); c.974+5462T>C (NM_001406838.1); c.1133+5462T>C (NM_181798.2).
Identifiers: ClinVar variation 2641463 (VCV002641463.24), dbSNP rs779295054, ClinGen allele CA216175851.

ClinVar aggregate classification (germline): Benign (1 of 4 stars; one submission).

Allele frequency attached by ClinVar (database versions not stated): 1000 Genomes Project 30x 0.00047; gnomAD 0.00080; TOPMed 0.00082; gnomAD exomes 0.00110.
gnomAD v4.1: 401 of 396,334 alleles (0.1%); highest among the groups gnomAD compares: Non-Finnish European, 0.15%; no homozygotes.

Submission:

CeGaT Center for Human Genetics Tuebingen
Classification: Benign. Last evaluated: 2026-08-01. Review status: criteria provided, single submitter. Criteria: CeGaT Center For Human Genetics Tuebingen Variant Classification Criteria Version 2. Collection method: clinical testing. Allele origin: germline. Affected: yes. Observed: 3 variant alleles.
Comment: KCNQ1OT1: BS1, BS2